The following is an entry in ClinVar:

NM_004725.4(BUB3):c.751A>G (p.Thr251Ala)

Gene: BUB3 (BUB3 mitotic checkpoint protein; plus strand). Cytogenetic location: 10q26.13.
Variant type: single nucleotide variant.
Coding change: c.751A>G on transcript NM_004725.4 (MANE Select); coding-DNA position 751, A replaced by G.
Protein change: p.Thr251Ala; replaces threonine 251 with alanine.
Molecular consequence: missense variant.
Genome position (GRCh38, 1-based): chr10:123,162,410, A>G. VCF-style: chr10-123162410-A-G. GRCh37 (hg19) VCF-style: chr10-124921926-A-G.
Other names: c.751A>G, p.Thr251Ala (NM_001007793.3); short protein forms T251A.
Identifiers: ClinVar variation 1759314 (VCV001759314.2), dbSNP rs2493766250, ClinGen allele CA378626822.
Genomic context (GRCh38, chr10:123,162,410, plus strand): 5'-ATTGAGCAGATTTACCCAGTCAATGCCATTTCTTTTCACAATATCCACAATACATTTGCC[A>G]CAGGTAAAGTATGGCATGCTGACCTATATTTAATTATTATACTATTTGGTGCTTGCTTTT-3'
Protein context (NP_004716.1, residues 241-261): SFHNIHNTFA[Thr251Ala]GGSDGFVNIW

ClinVar aggregate classification (germline): Uncertain significance (1 of 4 stars; one submission).

Submission:

Ambry Genetics
Classification: Uncertain significance. Last evaluated: 2023-11-04. Review status: criteria provided, single submitter. Criteria: Ambry Variant Classification Scheme 2023. Collection method: clinical testing. Allele origin: germline.
Comment: The p.T251A variant (also known as c.751A>G), located in coding exon 5 of the BUB3 gene, results from an A to G substitution at nucleotide position 751. The threonine at codon 251 is replaced by alanine, an amino acid with similar properties. This amino acid position is conserved. In addition, the in silico prediction for this alteration is inconclusive. Since supporting evidence is limited at this time, the clinical significance of this alteration remains unclear.